The following is an entry in ClinVar:

NM_001330700.2(TOP2B):c.4125AGA[2] (p.Glu1378del)

Gene: TOP2B (DNA topoisomerase II beta; minus strand). Cytogenetic location: 3p24.2.
Variant type: Microsatellite.
Coding change: c.4125AGA[2] on transcript NM_001330700.2 (MANE Select); two copies in a row of the 3-base unit AGA starting at c.4125; the reference has three copies in a row; one copy, 3 bases deleted.
Protein change: p.Glu1378del; deletes glutamic acid 1378.
Molecular consequence: inframe deletion.
Genome position (GRCh38, 1-based): chr3:25,607,336-25,607,338, TCT deleted on the plus strand (AGA on the coding strand, the reverse complement: TOP2B is on the minus strand); deleting any 3 consecutive bases within chr3:25,607,336-25,607,344 gives the same sequence; the position shown is the placement nearest the transcript's 3' end. VCF-style (leftmost placement, unchanged base first): chr3-25607335-CTCT-C. GRCh37 (hg19) VCF-style: chr3-25648826-CTCT-C.
Other names: c.4110AGA[2], p.Glu1373del (NM_001068.3); short protein forms E1373del, E1378del.
Identifiers: ClinVar variation 1009078 (VCV001009078.5), dbSNP rs754798424, ClinGen allele CA2288157.

ClinVar aggregate classification (germline): Uncertain significance (1 of 4 stars; one submission).

Submission:

Labcorp Genetics (formerly Invitae), Labcorp
Classification: Uncertain significance. Last evaluated: 2024-12-06. Review status: criteria provided, single submitter. Criteria: Invitae Variant Classification Sherloc (09022015). Collection method: clinical testing. Allele origin: germline.
Comment: This variant, c.4116_4118del, results in the deletion of 1 amino acid(s) of the TOP2B protein (p.Glu1373del), but otherwise preserves the integrity of the reading frame. This variant is present in population databases (rs754798424, gnomAD 0.003%). This variant has not been reported in the literature in individuals affected with TOP2B-related conditions. Experimental studies and prediction algorithms are not available or were not evaluated, and the functional significance of this variant is currently unknown. In summary, the available evidence is currently insufficient to determine the role of this variant in disease. Therefore, it has been classified as a Variant of Uncertain Significance.